The following is an entry in ClinVar:

NM_001206927.2(DNAH8):c.5237T>A (p.Ile1746Lys)

Gene: DNAH8 (dynein axonemal heavy chain 8; plus strand). Cytogenetic location: 6p21.2.
Variant type: single nucleotide variant.
Coding change: c.5237T>A on transcript NM_001206927.2 (MANE Select); coding-DNA position 5237, T replaced by A.
Protein change: p.Ile1746Lys; replaces isoleucine 1746 with lysine.
Molecular consequence: missense variant.
Genome position (GRCh38, 1-based): chr6:38,850,288, T>A. VCF-style: chr6-38850288-T-A. GRCh37 (hg19) VCF-style: chr6-38818064-T-A.
Other names: c.4586T>A, p.Ile1529Lys (NM_001371.4); short protein forms I1529K, I1746K.
Identifiers: ClinVar variation 1352878 (VCV001352878.8), dbSNP rs762401941, ClinGen allele CA3789329.

ClinVar aggregate classification (germline): Uncertain significance (1 of 4 stars; one submission).

Conditions:
Primary ciliary dyskinesia. Also called: Ciliary dyskinesia. Identifiers: Orphanet 244, MedGen C0008780, MONDO:0016575, HP:0012265.

Allele frequency attached by ClinVar (database versions not stated): gnomAD exomes below 0.00001; ExAC 0.00001.

Submission:

Labcorp Genetics (formerly Invitae), Labcorp
Classification: Uncertain significance for Primary ciliary dyskinesia. Last evaluated: 2023-05-08. Review status: criteria provided, single submitter. Criteria: Invitae Variant Classification Sherloc (09022015). Collection method: clinical testing. Allele origin: germline.
Comment: This sequence change replaces isoleucine, which is neutral and non-polar, with lysine, which is basic and polar, at codon 1746 of the DNAH8 protein (p.Ile1746Lys). This variant is present in population databases (rs762401941, gnomAD 0.006%). In summary, the available evidence is currently insufficient to determine the role of this variant in disease. Therefore, it has been classified as a Variant of Uncertain Significance. Experimental studies and prediction algorithms are not available or were not evaluated, and the functional significance of this variant is currently unknown. ClinVar contains an entry for this variant (Variation ID: 1352878). This variant has not been reported in the literature in individuals affected with DNAH8-related conditions.